The following is an entry in ClinVar:

ClinVar aggregate classification (germline): Pathogenic (1 of 4 stars; one submission).

Submission:

Labcorp Genetics (formerly Invitae), Labcorp
Classification: Pathogenic. Last evaluated: 2023-09-23. Review status: criteria provided, single submitter. Criteria: Invitae Variant Classification Sherloc (09022015). Collection method: clinical testing. Allele origin: germline.
Comment: This sequence change creates a premature translational stop signal (p.Gly193Trpfs*4) in the TRMU gene. It is expected to result in an absent or disrupted protein product. Loss-of-function variants in TRMU are known to be pathogenic (PMID: 19732863, 23625533). This variant is not present in population databases (gnomAD no frequency). This variant has not been reported in the literature in individuals affected with TRMU-related conditions. For these reasons, this variant has been classified as Pathogenic.

Literature cited by the submitters: PubMed 19732863; PubMed 23625533.

NM_018006.5(TRMU):c.574_575dup (p.Gly193fs)

Gene: TRMU (tRNA mitochondrial 2-thiouridylase; plus strand). Cytogenetic location: 22q13.31.
Variant type: Microsatellite.
Coding change: c.574_575dup on transcript NM_018006.5 (MANE Select); coding-DNA positions 574 to 575, 2 bases duplicated (CT; older notation c.574_575dupCT).
Protein change: p.Gly193fs; shifts the reading frame from glycine 193.
Molecular consequence: frameshift variant. On other transcripts: non-coding transcript variant (2).
Genome position (GRCh38, 1-based): chr22:46,350,386-46,350,387, CT duplicated; duplicating any 2 consecutive bases within chr22:46,350,384-46,350,387 gives the same sequence; the c. name uses the placement nearest the transcript's 3' end. VCF-style (leftmost placement, unchanged base first): chr22-46350383-C-CCT. GRCh37 (hg19) VCF-style: chr22-46746280-C-CCT.
Other names: c.*16_*17CT[3] (NM_001008568.2); c.*110_*111CT[3] (NM_001008570.2); c.232_233dup, p.Gly79fs (NM_001282782.2); c.154_155dup, p.Gly53fs (NM_001282783.2, NM_001282784.2); c.574_575dup, p.Gly193fs (NM_001282785.2); short protein forms G193fs, G53fs, G79fs.
Identifiers: ClinVar variation 2762980 (VCV002762980.3), dbSNP rs2518179076, ClinGen allele CA2697552813.